The following is an entry in ClinVar:

ClinVar aggregate classification (germline): Conflicting classifications of pathogenicity. Review status: criteria provided, conflicting classifications (1 of 4 stars). 2 submissions from 2 submitters: Uncertain significance (1); Likely benign (1). Last evaluated 2022-08-22.

Conditions:
Cardiovascular phenotype. Identifiers: MedGen CN230736.

Allele frequency attached by ClinVar (database versions not stated): TOPMed 0.00002; gnomAD 0.00003 and 0.00004.
gnomAD v4.1: 6 of 1,550,250 alleles (0.00039%); highest among the groups gnomAD compares: African/African-American, 0.0068%; no homozygotes.

Submissions (2):

Labcorp Genetics (formerly Invitae), Labcorp
Classification: Uncertain significance. Last evaluated: 2022-08-22. Review status: criteria provided, single submitter. Criteria: Invitae Variant Classification Sherloc (09022015). Collection method: clinical testing. Allele origin: germline.
Comment: This sequence change replaces glycine, which is neutral and non-polar, with aspartic acid, which is acidic and polar, at codon 1915 of the ZNF469 protein (p.Gly1915Asp). This variant is not present in population databases (gnomAD no frequency). This variant has not been reported in the literature in individuals affected with ZNF469-related conditions. ClinVar contains an entry for this variant (Variation ID: 1371595). Algorithms developed to predict the effect of missense changes on protein structure and function output the following: SIFT: "Tolerated"; PolyPhen-2: "Benign"; Align-GVGD: "Class C0". The aspartic acid amino acid residue is found in multiple mammalian species, which suggests that this missense change does not adversely affect protein function. In summary, the available evidence is currently insufficient to determine the role of this variant in disease. Therefore, it has been classified as a Variant of Uncertain Significance.

Ambry Genetics
Classification: Likely benign for Cardiovascular phenotype. Last evaluated: 2021-07-27. Review status: criteria provided, single submitter. Criteria: Ambry Variant Classification Scheme 2023. Collection method: clinical testing. Allele origin: germline.

NM_001367624.2(ZNF469):c.5828G>A (p.Gly1943Asp)

Gene: ZNF469 (zinc finger protein 469; plus strand). Cytogenetic location: 16q24.2.
Variant type: single nucleotide variant.
Coding change: c.5828G>A on transcript NM_001367624.2 (MANE Select); coding-DNA position 5828, G replaced by A.
Protein change: p.Gly1943Asp; replaces glycine 1943 with aspartic acid.
Molecular consequence: missense variant.
Genome position (GRCh38, 1-based): chr16:88,433,298, G>A. VCF-style: chr16-88433298-G-A. GRCh37 (hg19) VCF-style: chr16-88499706-G-A.
Other names: NM_001127464.1:c.5744G>A; short protein forms G1943D.
Identifiers: ClinVar variation 1371595 (VCV001371595.7), dbSNP rs923668514, ClinGen allele CA286380894.